The following is an entry in ClinVar:

NM_182961.4(SYNE1):c.20278A>G (p.Ile6760Val)

Gene: SYNE1 (spectrin repeat containing nuclear envelope protein 1; minus strand). Cytogenetic location: 6q25.2.
Variant type: single nucleotide variant.
Coding change: c.20278A>G on transcript NM_182961.4 (MANE Select); coding-DNA position 20278, A replaced by G.
Protein change: p.Ile6760Val; replaces isoleucine 6760 with valine.
Molecular consequence: missense variant.
Genome position (GRCh38, 1-based): chr6:152,236,225, T>C on the plus strand (A>G on the coding strand, the complement: SYNE1 is on the minus strand). VCF-style: chr6-152236225-T-C. GRCh37 (hg19) VCF-style: chr6-152557360-T-C.
Other names: c.20065A>G, p.Ile6689Val (NM_033071.5); c.20065A>G (NM_033071.3); short protein forms I6689V, I6760V.
Identifiers: ClinVar variation 1006903 (VCV001006903.7), dbSNP rs532550838, ClinGen allele CA150193181.

ClinVar aggregate classification (germline): Uncertain significance. Review status: criteria provided, multiple submitters, no conflicts (2 of 4 stars). 2 submissions from 2 submitters: Uncertain significance (2). Last evaluated 2023-12-06.

Conditions:
Autosomal recessive ataxia, Beauce type. Also called: ATAXIA, RECESSIVE, OF BEAUCE; Spinocerebellar ataxia, autosomal recessive 8; SYNE1-Related Autosomal Recessive Cerebellar Ataxia; SYNE1 Deficiency. Identifiers: Orphanet 88644, MedGen C1853116, MONDO:0012549, OMIM 610743.
Emery-Dreifuss muscular dystrophy 4, autosomal dominant (EDMD4). Also called: EMERY-DREIFUSS MUSCULAR DYSTROPHY 4 WITH VARIABLE FEATURES. Identifiers: Orphanet 261, MedGen C2751807, MONDO:0013071, OMIM 612998.

Allele frequency attached by ClinVar (database versions not stated): gnomAD exomes 0.00001 and 0.00003; gnomAD 0.00002 and 0.00001; TOPMed 0.00002; 1000 Genomes Project 30x 0.00031; 1000 Genomes Project 0.00040.
gnomAD v4.1: 11 of 1,614,162 alleles (0.00068%); highest among the groups gnomAD compares: East Asian, 0.025%; no homozygotes.

Submissions (2):

Revvity Omics, Revvity
Classification: Uncertain significance. Last evaluated: 2023-12-06. Review status: criteria provided, single submitter. Criteria: ACMG Guidelines, 2015. Collection method: clinical testing. Allele origin: germline.

Labcorp Genetics (formerly Invitae), Labcorp
Classification: Uncertain significance for Emery-Dreifuss muscular dystrophy 4, autosomal dominant; Autosomal recessive ataxia, Beauce type. Last evaluated: 2021-08-28. Review status: criteria provided, single submitter. Criteria: Invitae Variant Classification Sherloc (09022015). Collection method: clinical testing. Allele origin: germline.
Comment: This sequence change replaces isoleucine with valine at codon 6689 of the SYNE1 protein (p.Ile6689Val). The isoleucine residue is moderately conserved and there is a small physicochemical difference between isoleucine and valine. This variant is not present in population databases (ExAC no frequency). This variant has not been reported in the literature in individuals affected with SYNE1-related conditions. Algorithms developed to predict the effect of missense changes on protein structure and function output the following: SIFT: "Tolerated"; PolyPhen-2: "Benign"; Align-GVGD: "Class C0". The valine amino acid residue is found in multiple mammalian species, which suggests that this missense change does not adversely affect protein function. In summary, the available evidence is currently insufficient to determine the role of this variant in disease. Therefore, it has been classified as a Variant of Uncertain Significance.